The following is an entry in ClinVar:

ClinVar aggregate classification (germline): Likely pathogenic (1 of 4 stars; one submission).

Submission:

CeGaT Center for Human Genetics Tuebingen
Classification: Likely pathogenic. Last evaluated: 2024-01-01. Review status: criteria provided, single submitter. Criteria: CeGaT Center For Human Genetics Tuebingen Variant Classification Criteria Version 2. Collection method: clinical testing. Allele origin: germline. Affected: yes. Observed: 1 variant allele.
Comment: GDAP1: PM1, PM2, PM3

NM_018972.4(GDAP1):c.737T>G (p.Leu246Arg)

Gene: GDAP1 (ganglioside induced differentiation associated protein 1; plus strand). Cytogenetic location: 8q21.11.
Variant type: single nucleotide variant.
Coding change: c.737T>G on transcript NM_018972.4 (MANE Select); coding-DNA position 737, T replaced by G.
Protein change: p.Leu246Arg; replaces leucine 246 with arginine.
Molecular consequence: missense variant. On other transcripts: intron variant (1).
Genome position (GRCh38, 1-based): chr8:74,364,027, T>G. VCF-style: chr8-74364027-T-G. GRCh37 (hg19) VCF-style: chr8-75276262-T-G.
Other names: c.533T>G, p.Leu178Arg (NM_001040875.4); c.410T>G, p.Leu137Arg (NM_001362929.2, NM_001362932.2); c.563T>G, p.Leu188Arg (NM_001362930.2); c.694+974T>G (NM_001362931.2); short protein forms L137R, L178R, L188R, L246R.
Identifiers: ClinVar variation 3026883 (VCV003026883.22), dbSNP rs2536750075, ClinGen allele CA371550009.